The following is an entry in ClinVar:

ClinVar aggregate classification (germline): Likely pathogenic (1 of 4 stars; one submission).

Conditions:
Multiple acyl-CoA dehydrogenase deficiency (MADD). Also called: ETHYLMALONIC-ADIPICACIDURIA; GA II; Glutaric aciduria, type 2; Glutaric acidemia type II; GA 2; Glutaric Acidemia type 2. Identifiers: Orphanet 26791, MedGen C0268596, MONDO:0009282, OMIM 231680.

Submission:

Labcorp Genetics (formerly Invitae), Labcorp
Classification: Likely pathogenic for Multiple acyl-CoA dehydrogenase deficiency. Last evaluated: 2023-12-09. Review status: criteria provided, single submitter. Criteria: Invitae Variant Classification Sherloc (09022015). Collection method: clinical testing. Allele origin: germline.
Comment: This sequence change affects a donor splice site in intron 4 of the ETFDH gene. It is expected to disrupt RNA splicing. Variants that disrupt the donor or acceptor splice site typically lead to a loss of protein function (PMID: 16199547), and loss-of-function variants in ETFDH are known to be pathogenic (PMID: 16510302, 23785301). This variant is not present in population databases (gnomAD no frequency). This variant has not been reported in the literature in individuals affected with ETFDH-related conditions. Algorithms developed to predict the effect of sequence changes on RNA splicing suggest that this variant may disrupt the consensus splice site. In summary, the currently available evidence indicates that the variant is pathogenic, but additional data are needed to prove that conclusively. Therefore, this variant has been classified as Likely Pathogenic.

Literature cited by the submitters: PubMed 16199547; PubMed 16510302; PubMed 23785301.

NM_004453.4(ETFDH):c.487+2T>A

Gene: ETFDH (electron transfer flavoprotein dehydrogenase; plus strand). Cytogenetic location: 4q32.1.
Variant type: single nucleotide variant.
Coding change: c.487+2T>A on transcript NM_004453.4 (MANE Select); the canonical splice donor site of the intron after coding-DNA position 487, T replaced by A.
Molecular consequence: splice donor variant.
Genome position (GRCh38, 1-based): chr4:158,684,675, T>A. VCF-style: chr4-158684675-T-A. GRCh37 (hg19) VCF-style: chr4-159605827-T-A.
Other names: c.346+2T>A (NM_001281737.2); c.304+2T>A (NM_001281738.1).
Identifiers: ClinVar variation 2796977 (VCV002796977.3), dbSNP rs2479086315, ClinGen allele CA358575218.